The following is an entry in ClinVar:

ClinVar aggregate classification (germline): Uncertain significance (1 of 4 stars; one submission).

Submission:

GeneDx
Classification: Uncertain significance. Last evaluated: 2021-12-06. Review status: criteria provided, single submitter. Criteria: GeneDx Variant Classification Process June 2021. Collection method: clinical testing. Allele origin: germline. Affected: yes.
Comment: In silico analysis supports that this missense variant has a deleterious effect on protein structure/function; Has not been previously published as pathogenic or benign to our knowledge

NM_018419.3(SOX18):c.521T>C (p.Leu174Pro)

Gene: SOX18 (SRY-box transcription factor 18; minus strand). Cytogenetic location: 20q13.33.
Variant type: single nucleotide variant.
Coding change: c.521T>C on transcript NM_018419.3 (MANE Select); coding-DNA position 521, T replaced by C.
Protein change: p.Leu174Pro; replaces leucine 174 with proline.
Molecular consequence: missense variant.
Genome position (GRCh38, 1-based): chr20:64,048,800, A>G on the plus strand (T>C on the coding strand, the complement: SOX18 is on the minus strand). VCF-style: chr20-64048800-A-G. GRCh37 (hg19) VCF-style: chr20-62680153-A-G.
Other names: short protein forms L174P.
Identifiers: ClinVar variation 1691139 (VCV001691139.2), dbSNP rs747460641, ClinGen allele CA9972855.
Genomic context (GRCh38, chr20:64,048,800, plus strand): 5'-GCCGAGCCAGACGCCGCGGGGAAAGGCTCGGGCGGTGGCTGCGGGGGCGCTAATCCCGGG[A>G]GCAGGAGGCCGGGCTCCAGCCGCCGGGCCTTGCGCGCCTGCTTCTTGCGGCGCGGCCGGT-3'
Protein context (NP_060889.1, residues 164-184): KARRLEPGLL[Leu174Pro]PGLAPPQPPP